The following is an entry in ClinVar:

NM_014714.4(IFT140):c.3057G>A (p.Gln1019=)

Genes: IFT140 (intraflagellar transport 140; minus strand), LOC126862260 (CDK7 strongly-dependent group 2 enhancer GRCh37_chr16:1574508-1575707; plus strand). Cytogenetic location: 16p13.3.
Variant type: single nucleotide variant.
Coding change: c.3057G>A on transcript NM_014714.4 (MANE Select); coding-DNA position 3057, G replaced by A.
Protein change: p.Gln1019=; no amino-acid change (glutamine 1019 retained).
Molecular consequence: synonymous variant.
Genome position (GRCh38, 1-based): chr16:1,524,636, C>T on the plus strand (G>A on the coding strand, the complement: IFT140 is on the minus strand). VCF-style: chr16-1524636-C-T. GRCh37 (hg19) VCF-style: chr16-1574637-C-T.
Other names: c.3057G>A (NM_014714.3).
Identifiers: ClinVar variation 2720878 (VCV002720878.5), dbSNP rs763551918, ClinGen allele CA7813340.

ClinVar aggregate classification (germline): Likely benign. Review status: criteria provided, multiple submitters, no conflicts (2 of 4 stars). 3 submissions from 3 submitters: Likely benign (3). Last evaluated 2025-07-08.

Conditions:
Saldino-Mainzer syndrome (SRTD9). Also called: short-rib thoracic dysplasia 9 with or without polydactyly; CONORENAL SYNDROME; Renal dysplasia, retinal pigmentary dystrophy, cerebellar ataxia and skeletal dysplasia; SHORT-RIB THORACIC DYSPLASIA 9 WITHOUT POLYDACTYLY. Identifiers: Orphanet 140969, MedGen C1849437, MONDO:0009964, OMIM 266920.
IFT140-related disorder. Also called: IFT140-related condition.

Allele frequency attached by ClinVar (database versions not stated): TOPMed 0.00001; ExAC 0.00002; gnomAD 0.00002.
gnomAD v4.1: 28 of 1,597,224 alleles (0.0018%); highest among the groups gnomAD compares: Non-Finnish European, 0.0023%; no homozygotes.

Submissions (3):

PreventionGenetics, part of Exact Sciences
Classification: Likely benign for IFT140-related condition. Last evaluated: 2025-07-08. Review status: criteria provided, single submitter. Criteria: ACMG Guidelines, 2015. Collection method: clinical testing. Allele origin: germline.
Comment: This variant is classified as likely benign based on ACMG/AMP sequence variant interpretation guidelines (Richards et al. 2015 PMID: 25741868, with internal and published modifications).

Labcorp Genetics (formerly Invitae), Labcorp
Classification: Likely benign for Saldino-Mainzer syndrome. Last evaluated: 2024-10-25. Review status: criteria provided, single submitter. Criteria: Invitae Variant Classification Sherloc (09022015). Collection method: clinical testing. Allele origin: germline.

Blueprint Genetics
Classification: Likely benign. Last evaluated: 2024-06-13. Review status: criteria provided, single submitter. Criteria: ACMG Guidelines, 2015. Collection method: clinical testing. Allele origin: germline.